The following is an entry in ClinVar:

NM_014000.3(VCL):c.1972G>A (p.Val658Met)

Gene: VCL (vinculin; plus strand). Cytogenetic location: 10q22.2.
Variant type: single nucleotide variant.
Coding change: c.1972G>A on transcript NM_014000.3 (MANE Select); coding-DNA position 1972, G replaced by A.
Protein change: p.Val658Met; replaces valine 658 with methionine.
Molecular consequence: missense variant.
Genome position (GRCh38, 1-based): chr10:74,101,047, G>A. VCF-style: chr10-74101047-G-A. GRCh37 (hg19) VCF-style: chr10-75860805-G-A.
Other names: c.1972G>A, p.Val658Met (NM_003373.4); short protein forms V658M.
Identifiers: ClinVar variation 1374927 (VCV001374927.6), dbSNP rs2131922811, ClinGen allele CA377260747.

ClinVar aggregate classification (germline): Uncertain significance (1 of 4 stars; one submission).

Conditions:
Dilated cardiomyopathy 1W (CMD1W). Identifiers: Orphanet 154, MedGen C1969639, MONDO:0012667, OMIM 611407.

Submission:

Labcorp Genetics (formerly Invitae), Labcorp
Classification: Uncertain significance for Dilated cardiomyopathy 1W. Last evaluated: 2022-07-05. Review status: criteria provided, single submitter. Criteria: Invitae Variant Classification Sherloc (09022015). Collection method: clinical testing. Allele origin: germline.
Comment: Algorithms developed to predict the effect of missense changes on protein structure and function are either unavailable or do not agree on the potential impact of this missense change (SIFT: "Not Available"; PolyPhen-2: "Probably Damaging"; Align-GVGD: "Not Available"). In summary, the available evidence is currently insufficient to determine the role of this variant in disease. Therefore, it has been classified as a Variant of Uncertain Significance. ClinVar contains an entry for this variant (Variation ID: 1374927). This variant has not been reported in the literature in individuals affected with VCL-related conditions. This variant is not present in population databases (gnomAD no frequency). This sequence change replaces valine with methionine at codon 658 of the VCL protein (p.Val658Met). The valine residue is highly conserved and there is a small physicochemical difference between valine and methionine.